The following is an entry in ClinVar:

NM_000179.3(MSH6):c.39G>C (p.Lys13Asn)

Gene: MSH6 (mutS homolog 6; plus strand). Cytogenetic location: 2p16.3.
Variant type: single nucleotide variant.
Coding change: c.39G>C on transcript NM_000179.3 (MANE Select); coding-DNA position 39, G replaced by C.
Protein change: p.Lys13Asn; replaces lysine 13 with asparagine.
Molecular consequence: missense variant. On other transcripts: 5 prime UTR variant (8), non-coding transcript variant (5), intron variant (5).
Genome position (GRCh38, 1-based): chr2:47,783,272, G>C. VCF-style: chr2-47783272-G-C. GRCh37 (hg19) VCF-style: chr2-48010411-G-C.
Other names: c.39G>C, p.Lys13Asn (NM_001281492.2, NM_001406795.1, NM_001406796.1 and 9 more transcripts); c.-698G>C (NM_001281493.2, NM_001406811.1); c.-290G>C (NM_001406799.1); c.-17G>C (NM_001406804.1); c.-890G>C (NM_001406807.1); c.-545G>C (NM_001406812.1); c.-956G>C (NM_001406814.1); c.-501G>C (NM_001406816.1); and 3 more; short protein forms K13N.
Identifiers: ClinVar variation 3398970 (VCV003398970.3).

ClinVar aggregate classification (germline): Uncertain significance. Review status: criteria provided, multiple submitters, no conflicts (2 of 4 stars). 2 submissions from 2 submitters: Uncertain significance (2). Last evaluated 2025-08-30.

Conditions:
Hereditary nonpolyposis colorectal neoplasms. Identifiers: MedGen C0009405, MeSH D003123.
Hereditary cancer-predisposing syndrome. Also called: Hereditary Cancer Syndrome; Tumor predisposition; Hereditary neoplastic syndrome; Neoplastic Syndromes, Hereditary. Identifiers: Orphanet 140162, MedGen C0027672, MeSH D009386, MONDO:0015356.

gnomAD v4.1: 1 of 1,612,090 alleles (0.000062%); highest among the groups gnomAD compares: South Asian, 0.0011%; no homozygotes.

Submissions (2):

Labcorp Genetics (formerly Invitae), Labcorp
Classification: Uncertain significance for Hereditary nonpolyposis colorectal neoplasms. Last evaluated: 2025-08-30. Review status: criteria provided, single submitter. Criteria: Invitae Variant Classification Sherloc (09022015). Collection method: clinical testing. Allele origin: germline.
Comment: This sequence change replaces lysine, which is basic and polar, with asparagine, which is neutral and polar, at codon 13 of the MSH6 protein (p.Lys13Asn). This variant is not present in population databases (gnomAD no frequency). This variant has not been reported in the literature in individuals affected with MSH6-related conditions. ClinVar contains an entry for this variant (Variation ID: 3398970). Invitae Evidence Modeling of protein sequence and biophysical properties (such as structural, functional, and spatial information, amino acid conservation, physicochemical variation, residue mobility, and thermodynamic stability) has been performed for this missense variant. However, the output from this modeling did not meet the statistical confidence thresholds required to predict the impact of this variant on MSH6 protein function. In summary, the available evidence is currently insufficient to determine the role of this variant in disease. Therefore, it has been classified as a Variant of Uncertain Significance.

Ambry Genetics
Classification: Uncertain significance for Hereditary cancer-predisposing syndrome. Last evaluated: 2024-12-04. Review status: criteria provided, single submitter. Criteria: Ambry Variant Classification Scheme 2023. Collection method: clinical testing. Allele origin: germline.
Comment: The p.K13N variant (also known as c.39G>C), located in coding exon 1 of the MSH6 gene, results from a G to C substitution at nucleotide position 39. The lysine at codon 13 is replaced by asparagine, an amino acid with similar properties. This amino acid position is conserved. In addition, this alteration is predicted to be tolerated by in silico analysis. Based on the available evidence, the clinical significance of this variant remains unclear.